The following is an entry in ClinVar:

ClinVar aggregate classification (germline): Uncertain significance (1 of 4 stars; one submission).

Conditions:
Intellectual developmental disorder, autosomal dominant 44, with microcephaly. Also called: Micrognathia-recurrent infections-behavioral abnormalities-mild intellectual disability syndrome; TRIO-Related Intellectual Disability. Identifiers: Orphanet 476126, MedGen C4310740, MONDO:0014892, OMIM 617061.

Allele frequency attached by ClinVar (database versions not stated): gnomAD exomes below 0.00001; TOPMed 0.00001.
gnomAD v4.1: 1 of 1,613,030 alleles (0.000062%); highest among the groups gnomAD compares: Admixed American, 0.0017%; no homozygotes.

Submission:

Baylor Genetics
Classification: Uncertain significance for Intellectual developmental disorder, autosomal dominant 44, with microcephaly. Last evaluated: 2019-07-31. Review status: criteria provided, single submitter. Criteria: ACMG Guidelines, 2015. Collection method: clinical testing. Allele origin: unknown. Affected: yes.
Comment: This variant was determined to be of uncertain significance according to ACMG Guidelines, 2015 [PMID:25741868].

NM_007118.4(TRIO):c.3733G>A (p.Ala1245Thr)

Gene: TRIO (trio Rho guanine nucleotide exchange factor; plus strand). Cytogenetic location: 5p15.2.
Variant type: single nucleotide variant.
Coding change: c.3733G>A on transcript NM_007118.4 (MANE Select); coding-DNA position 3733, G replaced by A.
Protein change: p.Ala1245Thr; replaces alanine 1245 with threonine.
Molecular consequence: missense variant. On other transcripts: non-coding transcript variant (1).
Genome position (GRCh38, 1-based): chr5:14,387,600, G>A. VCF-style: chr5-14387600-G-A. GRCh37 (hg19) VCF-style: chr5-14387709-G-A.
Other names: short protein forms A1245T.
Identifiers: ClinVar variation 1031137 (VCV001031137.1), dbSNP rs1384265862, ClinGen allele CA359225769.